The following is an entry in ClinVar:

ClinVar aggregate classification (germline): Conflicting classifications of pathogenicity. Review status: criteria provided, conflicting classifications (1 of 4 stars). 2 submissions from 2 submitters: Uncertain significance (1); Benign (1). Last evaluated 2025-04-09.

Conditions:
Atrial fibrillation, familial, 3 (ATFB3). Identifiers: MedGen C1837014, MONDO:0011857, OMIM 607554.
Short QT syndrome type 2. Identifiers: Orphanet 51083, MedGen C1865019, MONDO:0012313, OMIM 609621.
Long QT syndrome 1 (LQT1). Identifiers: Orphanet 101016, Orphanet 768, MedGen C4551647, MONDO:0100316, OMIM 192500, MONDO:0008646.
Jervell and Lange-Nielsen syndrome 1 (JLNS1). Also called: CARDIOAUDITORY SYNDROME OF JERVELL AND LANGE-NIELSEN; DEAFNESS, CONGENITAL, AND FUNCTIONAL HEART DISEASE; PROLONGED QT INTERVAL IN EKG AND SUDDEN DEATH; SURDO-CARDIAC SYNDROME. Identifiers: Orphanet 768, Orphanet 90647, MedGen C4551509, MONDO:0024540, OMIM 220400.

Allele frequency attached by ClinVar (database versions not stated): gnomAD exomes 0.00005; ExAC 0.00012; gnomAD 0.00052; TOPMed 0.00059; 1000 Genomes Project 0.00080; 1000 Genomes Project 30x 0.00094.
gnomAD v4.1: 92 of 470,942 alleles (0.02%); highest among the groups gnomAD compares: African/African-American, 0.18%; no homozygotes.

Submissions (2):

Molecular Diagnostic Laboratory for Inherited Cardiovascular Disease, Montreal Heart Institute
Classification: Benign. Last evaluated: 2025-04-09. Review status: criteria provided, single submitter. Criteria: ACMG Guidelines, 2015. Collection method: clinical testing. Allele origin: germline. Affected: no.

Center for Genomics, Ann and Robert H. Lurie Children's Hospital of Chicago
Classification: Uncertain significance for Short QT syndrome type 2; Atrial fibrillation, familial, 3; Long QT syndrome 1; Jervell and Lange-Nielsen syndrome 1. Review status: criteria provided, single submitter. Criteria: ACMG Guidelines, 2015. Collection method: clinical testing. Allele origin: germline.
Comment: KCNQ1 NM_000218.2 exon 1 c.387-6394G>C: This variant has not been reported in the literature but is present in 0.1% (21/15218) of African alleles in the Genome Aggregation Database. Evolutionary conservation and computational predictive tools for this variant are limited or unavailable. This variant is a deep intronic variant; splice prediction tools are unavailable. Further studies are needed to understand its impact. Review of this variant suggests that this variant may be coding on a minor transcript; however, there is insufficient evidence for interpretation. In summary, data on this variant is insufficient for disease classification. Therefore, the clinical significance of this variant is uncertain.

NM_000218.3(KCNQ1):c.387-6394G>C

Gene: KCNQ1 (potassium voltage-gated channel subfamily Q member 1; plus strand). Cytogenetic location: 11p15.5.
Variant type: single nucleotide variant.
Coding change: c.387-6394G>C on transcript NM_000218.3 (MANE Select); 6394 bases into the intron before coding-DNA position 387, G replaced by C.
Molecular consequence: intron variant. On other transcripts: missense variant (1).
Genome position (GRCh38, 1-based): chr11:2,521,534, G>C. VCF-style: chr11-2521534-G-C. GRCh37 (hg19) VCF-style: chr11-2542764-G-C.
Other names: c.387-6394G>C (NM_000218.2, NM_001406836.1, NM_001406838.1); c.80G>C, p.Ser27Thr (NM_001406837.1); c.6-6394G>C (NM_181798.2); short protein forms S27T.
Identifiers: ClinVar variation 2500049 (VCV002500049.2), dbSNP rs528825731, ClinGen allele CA036815.